The following is an entry in ClinVar:

ClinVar aggregate classification (germline): Uncertain significance (1 of 4 stars; one submission).

Allele frequency attached by ClinVar (database versions not stated): gnomAD exomes below 0.00001.
gnomAD v4.1: 1 of 1,613,542 alleles (0.000062%); highest among the groups gnomAD compares: Non-Finnish European, 0.000085%; no homozygotes.

Submission:

Labcorp Genetics (formerly Invitae), Labcorp
Classification: Uncertain significance. Last evaluated: 2020-03-14. Review status: criteria provided, single submitter. Criteria: Invitae Variant Classification Sherloc (09022015). Collection method: clinical testing. Allele origin: germline.
Comment: In summary, the available evidence is currently insufficient to determine the role of this variant in disease. Therefore, it has been classified as a Variant of Uncertain Significance. Nucleotide substitutions within the consensus splice site are a relatively common cause of aberrant splicing (PMID: 17576681, 9536098). Algorithms developed to predict the effect of sequence changes on RNA splicing suggest that this variant is not likely to affect RNA splicing, but this prediction has not been confirmed by published transcriptional studies. This variant has not been reported in the literature in individuals with PRPF8-related conditions. This variant is not present in population databases (ExAC no frequency). This sequence change falls in intron 15 of the PRPF8 gene. It does not directly change the encoded amino acid sequence of the PRPF8 protein, but it affects a nucleotide within the consensus splice site of the intron.

Literature cited by the submitters: PubMed 17576681; PubMed 9536098.

NM_006445.4(PRPF8):c.2181+4G>A

Gene: PRPF8 (pre-mRNA processing factor 8; minus strand). Cytogenetic location: 17p13.3.
Variant type: single nucleotide variant.
Coding change: c.2181+4G>A on transcript NM_006445.4 (MANE Select); 4 bases into the intron after coding-DNA position 2181, G replaced by A.
Molecular consequence: intron variant.
Genome position (GRCh38, 1-based): chr17:1,676,972, C>T on the plus strand (G>A on the coding strand, the complement: PRPF8 is on the minus strand). VCF-style: chr17-1676972-C-T. GRCh37 (hg19) VCF-style: chr17-1580266-C-T.
Identifiers: ClinVar variation 1039681 (VCV001039681.5), dbSNP rs1357233581, ClinGen allele CA624565375.
Genomic context (GRCh38, chr17:1,676,972, plus strand): 5'-CGAAGTGGTAATCCTACCCTAAAGACGGATGTTTACGCCTCCAAGGAAATAAAGAGACAC[C>T]CACCTTCCAGGGAATGTTGGCTTTCCAGCAGCGCCAGGCTTCACTGAGGTGCTGCAGGAT-3'